The following is an entry in ClinVar:

ClinVar aggregate classification (germline): Uncertain significance. Review status: criteria provided, single submitter (1 of 4 stars). 2 submissions from 2 submitters: Uncertain significance (1). 1 of the submissions does not count toward it. Last evaluated 2021-12-22.

Conditions:
TERC-related disorder. Also called: TERC-related condition.

Allele frequency attached by ClinVar (database versions not stated): gnomAD 0.00004 and 0.00005; gnomAD exomes 0.00003; ExAC 0.00005; TOPMed 0.00006.

Submissions (2):

Genetic Services Laboratory, University of Chicago
Classification: Uncertain significance. Last evaluated: 2021-12-22. Review status: criteria provided, single submitter. Criteria: ACMG Guidelines, 2015. Collection method: clinical testing. Allele origin: germline. Affected: no.
Comment: DNA sequence analysis of the TERC gene demonstrated a sequence change, n.-64G>C. This change does not appear to have been previously described in individuals with TERC-related disorders. This sequence change has been described in the gnomAD database with a frequency of 0.0063% in the non-Finnish European subpopulation (dbSNP rs751991689). The functional significance of this sequence change is not known at present and its contribution to this individual's disease phenotype cannot definitively be determined.

PreventionGenetics, part of Exact Sciences
Classification: Uncertain significance for TERC-related condition. Last evaluated: 2024-05-16. Review status: no assertion criteria provided. Collection method: clinical testing. Allele origin: germline. Not counted in ClinVar's aggregate classification.
Comment: The TERC n.-64G>C is a noncoding alteration. To our knowledge, this variant has not been reported in the literature. This variant is reported in 0.0063% of alleles in individuals of European (Non-Finnish) descent in gnomAD. At this time, the clinical significance of this variant is uncertain due to the absence of conclusive functional and genetic evidence.

NC_000003.12:g.169765124C>G

Genes: TERC (telomerase RNA component; minus strand), LOC110806306 (telomerase RNA component (TERC) promoter; plus strand). Cytogenetic location: 3q26.2.
Variant type: single nucleotide variant.
Genome position: GRCh38 VCF-style: chr3-169765124-C-G. GRCh37 (hg19) VCF-style: chr3-169482912-C-G.
Identifiers: ClinVar variation 1338195 (VCV001338195.5), dbSNP rs751991689, ClinGen allele CA2696848.